The following is an entry in ClinVar:

ClinVar aggregate classification (germline): Benign/Likely benign. Review status: criteria provided, multiple submitters, no conflicts (2 of 4 stars). 4 submissions from 4 submitters: Benign (3); Likely benign (1). Last evaluated 2026-01-18.

Conditions:
Retinal cone dystrophy 4 (RCD4). Identifiers: Orphanet 1872, MedGen C1864849, MONDO:0012507, OMIM 610478.

Allele frequency attached by ClinVar (database versions not stated): gnomAD exomes 0.00030 and 0.00091; ExAC 0.00169; gnomAD 0.00396 and 0.00424; ESP Exome Variant Server 0.00423; TOPMed 0.00423; 1000 Genomes Project 0.00599; 1000 Genomes Project 30x 0.00609.
gnomAD v4.1: 1,083 of 1,609,354 alleles (0.067%); highest among the groups gnomAD compares: African/African-American, 1.2%; 3 homozygotes.

Submissions (4):

Labcorp Genetics (formerly Invitae), Labcorp
Classification: Benign. Last evaluated: 2026-01-18. Review status: criteria provided, single submitter. Criteria: Invitae Variant Classification Sherloc (09022015). Collection method: clinical testing. Allele origin: germline.

Blueprint Genetics
Classification: Likely benign. Last evaluated: 2024-09-09. Review status: criteria provided, single submitter. Criteria: ACMG Guidelines, 2015. Collection method: clinical testing. Allele origin: germline.

Illumina Laboratory Services, Illumina
Classification: Benign for Retinal cone dystrophy 4. Last evaluated: 2018-01-12. Review status: criteria provided, single submitter. Criteria: ICSL Variant Classification Criteria 13 December 2019. Collection method: clinical testing. Allele origin: germline.
Comment: This variant was observed in the ICSL laboratory as part of a predisposition screen in an ostensibly healthy population. It had not been previously curated by ICSL or reported in the Human Gene Mutation Database (HGMD: prior to June 1st, 2018), and was therefore a candidate for classification through an automated scoring system. Utilizing variant allele frequency, disease prevalence and penetrance estimates, and inheritance mode, an automated score was calculated to assess if this variant is too frequent to cause the disease. Based on the score and internal cut-off values, a variant classified as benign is not then subjected to further curation. The score for this variant resulted in a classification of benign for this disease.

Breakthrough Genomics
Classification: Benign. Review status: criteria provided, single submitter. Criteria: ACMG Guidelines, 2015. Collection method: not provided. Allele origin: germline. Inheritance: Autosomal recessive inheritance. Affected: yes.

NM_172364.5(CACNA2D4):c.139G>A (p.Val47Met)

Gene: CACNA2D4 (calcium voltage-gated channel auxiliary subunit alpha2delta 4; minus strand). Cytogenetic location: 12p13.33.
Variant type: single nucleotide variant.
Coding change: c.139G>A on transcript NM_172364.5 (MANE Select); coding-DNA position 139, G replaced by A.
Protein change: p.Val47Met; replaces valine 47 with methionine.
Molecular consequence: missense variant.
Genome position (GRCh38, 1-based): chr12:1,918,335, C>T on the plus strand (G>A on the coding strand, the complement: CACNA2D4 is on the minus strand). VCF-style: chr12-1918335-C-T. GRCh37 (hg19) VCF-style: chr12-2027501-C-T.
Other names: short protein forms V47M.
Identifiers: ClinVar variation 307873 (VCV000307873.17), dbSNP rs74606734, ClinGen allele CA6387670.